The following is an entry in ClinVar:

NM_001312909.2(FAM111A):c.1714_1716del (p.Ile572del)

Gene: FAM111A (FAM111 trypsin like peptidase A; plus strand). Cytogenetic location: 11q12.1.
Variant type: Deletion.
Coding change: c.1714_1716del on transcript NM_001312909.2 (MANE Select); coding-DNA positions 1714 to 1716, 3 bases deleted (ATT; older notation c.1714_1716delATT).
Protein change: p.Ile572del; deletes isoleucine 572.
Molecular consequence: inframe deletion.
Genome position (GRCh38, 1-based): chr11:59,153,382-59,153,384, ATT deleted. VCF-style (leftmost placement, unchanged base first): chr11-59153381-CATT-C. GRCh37 (hg19) VCF-style: chr11-58920854-CATT-C.
Other names: c.1714_1716delATT (NM_001142520.1); c.1714_1716del, p.Ile572del (NM_001142519.3, NM_001142520.3, NM_001142521.3 and 29 more transcripts); c.1714_1716del (NM_001142520.1); short protein forms I572del.
Identifiers: ClinVar variation 1361113 (VCV001361113.8), dbSNP rs779963813, ClinGen allele CA6016824.

ClinVar aggregate classification (germline): Conflicting classifications of pathogenicity. Review status: criteria provided, conflicting classifications (1 of 4 stars). 3 submissions from 3 submitters: Uncertain significance (2); Likely benign (1). Last evaluated 2026-02-25.

Conditions:
Inborn genetic diseases. Identifiers: MedGen C0950123, MeSH D030342.

Allele frequency attached by ClinVar (database versions not stated): gnomAD 0.00003 and 0.00006; gnomAD exomes 0.00003 and 0.00004; TOPMed 0.00003; ExAC 0.00005.

Submissions (3):

Ambry Genetics
Classification: Likely benign for Inborn genetic diseases. Last evaluated: 2026-02-25. Review status: criteria provided, single submitter. Criteria: Ambry Variant Classification Scheme 2023. Collection method: clinical testing. Allele origin: germline.

Labcorp Genetics (formerly Invitae), Labcorp
Classification: Uncertain significance. Last evaluated: 2025-12-10. Review status: criteria provided, single submitter. Criteria: Invitae Variant Classification Sherloc (09022015). Collection method: clinical testing. Allele origin: germline.
Comment: This variant, c.1714_1716del, results in the deletion of 1 amino acid(s) of the FAM111A protein (p.Ile572del), but otherwise preserves the integrity of the reading frame. This variant is present in population databases (rs779963813, gnomAD 0.02%). This variant has been observed in individual(s) with hypoparathyroidism and/or Kenny-Caffey syndrome (PMID: 31433868, 34382758). ClinVar contains an entry for this variant (Variation ID: 1361113). Experimental studies and prediction algorithms are not available or were not evaluated, and the functional significance of this variant is currently unknown. In summary, the available evidence is currently insufficient to determine the role of this variant in disease. Therefore, it has been classified as a Variant of Uncertain Significance.

GeneDx
Classification: Uncertain significance. Last evaluated: 2023-12-27. Review status: criteria provided, single submitter. Criteria: GeneDx Variant Classification Process June 2021. Collection method: clinical testing. Allele origin: germline. Affected: yes.
Comment: In-frame deletion of 1 amino acids in a non-repeat region; In silico analysis supports a deleterious effect on protein structure/function; This variant is associated with the following publications: (PMID: 31433868, 37122511, 34382758)

Literature cited by the submitters: PubMed 31433868 (cited by Labcorp Genetics (formerly Invitae), Labcorp); PubMed 34382758 (cited by Labcorp Genetics (formerly Invitae), Labcorp).